The following is an entry in ClinVar:

NM_002485.5(NBN):c.1465C>A (p.Leu489Ile)

Gene: NBN (nibrin; minus strand). Cytogenetic location: 8q21.3.
Variant type: single nucleotide variant.
Coding change: c.1465C>A on transcript NM_002485.5 (MANE Select); coding-DNA position 1465, C replaced by A.
Protein change: p.Leu489Ile; replaces leucine 489 with isoleucine.
Molecular consequence: missense variant.
Genome position (GRCh38, 1-based): chr8:89,953,624, G>T on the plus strand (C>A on the coding strand, the complement: NBN is on the minus strand). VCF-style: chr8-89953624-G-T. GRCh37 (hg19) VCF-style: chr8-90965852-G-T.
Other names: c.1219C>A, p.Leu407Ile (NM_001024688.3); short protein forms L407I, L489I.
Identifiers: ClinVar variation 1773235 (VCV001773235.2), dbSNP rs143948240, ClinGen allele CA371655797.

ClinVar aggregate classification (germline): Uncertain significance (1 of 4 stars; one submission).

Conditions:
Hereditary cancer-predisposing syndrome. Also called: Hereditary Cancer Syndrome; Hereditary neoplastic syndrome; Neoplastic Syndromes, Hereditary; Tumor predisposition. Identifiers: Orphanet 140162, MedGen C0027672, MeSH D009386, MONDO:0015356.

Submission:

Ambry Genetics
Classification: Uncertain significance for Hereditary cancer-predisposing syndrome. Last evaluated: 2021-06-25. Review status: criteria provided, single submitter. Criteria: Ambry Variant Classification Scheme 2023. Collection method: clinical testing. Allele origin: germline.
Comment: The p.L489I variant (also known as c.1465C>A), located in coding exon 11 of the NBN gene, results from a C to A substitution at nucleotide position 1465. The leucine at codon 489 is replaced by isoleucine, an amino acid with highly similar properties. This amino acid position is conserved. In addition, this alteration is predicted to be tolerated by in silico analysis. Since supporting evidence is limited at this time, the clinical significance of this alteration remains unclear.